The following is an entry in ClinVar:

ClinVar aggregate classification (germline): Uncertain significance. Review status: criteria provided, multiple submitters, no conflicts (2 of 4 stars). 2 submissions from 2 submitters: Uncertain significance (2). Last evaluated 2023-08-04.

Allele frequency attached by ClinVar (database versions not stated): gnomAD exomes below 0.00001.

Submissions (2):

GeneDx
Classification: Uncertain significance. Last evaluated: 2023-08-04. Review status: criteria provided, single submitter. Criteria: GeneDx Variant Classification Process June 2021. Collection method: clinical testing. Allele origin: germline. Affected: yes.
Comment: Not observed at significant frequency in large population cohorts (gnomAD); In silico analysis supports that this missense variant has a deleterious effect on protein structure/function; Has not been previously published as pathogenic or benign to our knowledge

Labcorp Genetics (formerly Invitae), Labcorp
Classification: Uncertain significance. Last evaluated: 2022-02-09. Review status: criteria provided, single submitter. Criteria: Invitae Variant Classification Sherloc (09022015). Collection method: clinical testing. Allele origin: germline.
Comment: Algorithms developed to predict the effect of missense changes on protein structure and function (SIFT, PolyPhen-2, Align-GVGD) all suggest that this variant is likely to be disruptive. In summary, the available evidence is currently insufficient to determine the role of this variant in disease. Therefore, it has been classified as a Variant of Uncertain Significance. This variant has not been reported in the literature in individuals affected with NACC1-related conditions. This sequence change replaces arginine, which is basic and polar, with glutamine, which is neutral and polar, at codon 45 of the NACC1 protein (p.Arg45Gln). This variant is not present in population databases (gnomAD no frequency).

NM_052876.4(NACC1):c.134G>A (p.Arg45Gln)

Gene: NACC1 (nucleus accumbens associated 1; plus strand). Cytogenetic location: 19p13.13.
Variant type: single nucleotide variant.
Coding change: c.134G>A on transcript NM_052876.4 (MANE Select); coding-DNA position 134, G replaced by A.
Protein change: p.Arg45Gln; replaces arginine 45 with glutamine.
Molecular consequence: missense variant.
Genome position (GRCh38, 1-based): chr19:13,135,341, G>A. VCF-style: chr19-13135341-G-A. GRCh37 (hg19) VCF-style: chr19-13246155-G-A.
Other names: c.134G>A (NM_052876.3); short protein forms R45Q.
Identifiers: ClinVar variation 2095577 (VCV002095577.5), dbSNP rs2513135237, ClinGen allele CA404324368.
Genomic context (GRCh38, chr19:13,135,341, plus strand): 5'-TGCAGGGCCTGTACTGTGACGTGTCAGTGGTGGTCAAGGGCCATGCCTTCAAGGCCCACC[G>A]GGCCGTGCTTGCTGCCAGCAGCTCCTACTTCCGGGACCTGTTCAACAACAGCCGCAGCGC-3'
Protein context (NP_443108.1, residues 35-55): VVKGHAFKAH[Arg45Gln]AVLAASSSYF